The following is an entry in ClinVar:

ClinVar aggregate classification (germline): Conflicting classifications of pathogenicity. Review status: criteria provided, conflicting classifications (1 of 4 stars). 2 submissions from 1 submitter: Uncertain significance (1); Likely benign (1). Last evaluated 2018-01-12.

Conditions:
Corneal dystrophy. Identifiers: Orphanet 34533, MedGen C0010036, MONDO:0018102, HP:0001131.
Bietti crystalline corneoretinal dystrophy (BCD). Also called: Bietti Crystalline Dystrophy; BIETTI TAPETORETINAL DEGENERATION WITH MARGINAL CORNEAL DYSTROPHY. Identifiers: Orphanet 41751, MedGen C1859486, MONDO:0008865, OMIM 210370.

Allele frequency attached by ClinVar (database versions not stated): 1000 Genomes Project 30x 0.00531; 1000 Genomes Project 0.00559; TOPMed 0.01184; gnomAD 0.01417 and 0.01464.

Submissions (2):

Illumina Laboratory Services, Illumina
Classification: Uncertain significance for Corneal dystrophy. Last evaluated: 2018-01-12. Review status: criteria provided, single submitter. Criteria: ICSL Variant Classification Criteria 13 December 2019. Collection method: clinical testing. Allele origin: germline.

Illumina Laboratory Services, Illumina
Classification: Likely benign for Bietti crystalline corneoretinal dystrophy. Last evaluated: 2018-01-12. Review status: criteria provided, single submitter. Criteria: ICSL Variant Classification Criteria 13 December 2019. Collection method: clinical testing. Allele origin: germline.
Comment: This variant was observed in the ICSL laboratory as part of a predisposition screen in an ostensibly healthy population. It had not been previously curated by ICSL or reported in the Human Gene Mutation Database (HGMD: prior to June 1st, 2018), and was therefore a candidate for classification through an automated scoring system. Utilizing variant allele frequency, disease prevalence and penetrance estimates, and inheritance mode, an automated score was calculated to assess if this variant is too frequent to cause the disease. Based on the score and internal cut-off values, a variant classified as likely benign is not then subjected to further curation. The score for this variant resulted in a classification of likely benign for this disease.

NM_207352.4(CYP4V2):c.*1474G>T

Genes: CYP4V2 (cytochrome P450 family 4 subfamily V member 2; plus strand), KLKB1 (kallikrein B1; plus strand). Cytogenetic location: 4q35.2.
Variant type: single nucleotide variant.
Coding change: c.*1474G>T on transcript NM_207352.4 (MANE Select); 1474 bases downstream of the stop codon, G replaced by T.
Molecular consequence: 3 prime UTR variant.
Genome position (GRCh38, 1-based): chr4:186,212,115, G>T. VCF-style: chr4-186212115-G-T. GRCh37 (hg19) VCF-style: chr4-187133269-G-T.
Identifiers: ClinVar variation 903414 (VCV000903414.4), dbSNP rs77175303, ClinGen allele CA112138400.